The following is an entry in ClinVar:

ClinVar aggregate classification (germline): Likely benign (0 of 4 stars; one submission).

Conditions:
SEMA3A-related disorder. Also called: SEMA3A-related condition.

Submission:

PreventionGenetics, part of Exact Sciences
Classification: Likely benign for SEMA3A-related condition. Last evaluated: 2024-03-25. Review status: no assertion criteria provided. Collection method: clinical testing. Allele origin: germline.
Comment: This variant is classified as likely benign based on ACMG/AMP sequence variant interpretation guidelines (Richards et al. 2015 PMID: 25741868, with internal and published modifications).

NM_006080.3(SEMA3A):c.1506T>C (p.Tyr502=)

Gene: SEMA3A (semaphorin 3A; minus strand). Cytogenetic location: 7q21.11.
Variant type: single nucleotide variant.
Coding change: c.1506T>C on transcript NM_006080.3 (MANE Select); coding-DNA position 1506, T replaced by C.
Protein change: p.Tyr502=; no amino-acid change (tyrosine 502 retained).
Molecular consequence: synonymous variant.
Genome position (GRCh38, 1-based): chr7:83,981,467, A>G on the plus strand (T>C on the coding strand, the complement: SEMA3A is on the minus strand). VCF-style: chr7-83981467-A-G. GRCh37 (hg19) VCF-style: chr7-83610783-A-G.
Identifiers: ClinVar variation 3353843 (VCV003353843.1).